The following is an entry in ClinVar:

NM_005475.3(SH2B3):c.733-1957G>A

Gene: SH2B3 (SH2B adaptor protein 3; plus strand). Cytogenetic location: 12q24.12.
Variant type: single nucleotide variant.
Coding change: c.733-1957G>A on transcript NM_005475.3 (MANE Select); 1957 bases into the intron before coding-DNA position 733, G replaced by A.
Molecular consequence: intron variant.
Genome position (GRCh38, 1-based): chr12:111,444,796, G>A. VCF-style: chr12-111444796-G-A. GRCh37 (hg19) VCF-style: chr12-111882600-G-A.
Other names: c.127-1957G>A (NM_001291424.1).
Identifiers: ClinVar variation 2570848 (VCV002570848.27), dbSNP rs112564165, ClinGen allele CA6789709.

ClinVar aggregate classification (germline): Benign (1 of 4 stars; one submission).

Allele frequency attached by ClinVar (database versions not stated): 1000 Genomes Project 0.00579; 1000 Genomes Project 30x 0.00687; TOPMed 0.00908; gnomAD 0.00919; gnomAD exomes 0.01417; ExAC 0.14286.
gnomAD v4.1: 13,120 of 985,550 alleles (1.3%); highest among the groups gnomAD compares: Non-Finnish European, 1.4%; 104 homozygotes.

Submission:

CeGaT Center for Human Genetics Tuebingen
Classification: Benign. Last evaluated: 2023-05-01. Review status: criteria provided, single submitter. Criteria: CeGaT Center For Human Genetics Tuebingen Variant Classification Criteria Version 2. Collection method: clinical testing. Allele origin: germline. Affected: yes. Observed: 4 variant alleles.
Comment: SH2B3: BS1, BS2